The following is an entry in ClinVar:

NM_005996.4(TBX3):c.483T>C (p.Cys161=)

Gene: TBX3 (T-box transcription factor 3; minus strand). Cytogenetic location: 12q24.21.
Variant type: single nucleotide variant.
Coding change: c.483T>C on transcript NM_005996.4 (MANE Select); coding-DNA position 483, T replaced by C.
Protein change: p.Cys161=; no amino-acid change (cysteine 161 retained).
Molecular consequence: synonymous variant.
Genome position (GRCh38, 1-based): chr12:114,681,053, A>G on the plus strand (T>C on the coding strand, the complement: TBX3 is on the minus strand). VCF-style: chr12-114681053-A-G. GRCh37 (hg19) VCF-style: chr12-115118858-A-G.
Other names: c.483T>C (NM_016569.3); c.483T>C, p.Cys161= (NM_016569.4).
Identifiers: ClinVar variation 881882 (VCV000881882.9), dbSNP rs148252329, ClinGen allele CA6810187.

ClinVar aggregate classification (germline): Likely benign. Review status: criteria provided, multiple submitters, no conflicts (2 of 4 stars). 3 submissions from 3 submitters: Likely benign (2). 1 of the submissions does not count toward it. Last evaluated 2025-08-08.

Conditions:
TBX3-related disorder. Also called: TBX3-related condition.
Ulnar-mammary syndrome (UMS). Also called: PALLISTER ULNAR-MAMMARY SYNDROME; SCHINZEL SYNDROME; Ulnar-mammary syndrome of Pallister. Identifiers: Orphanet 3138, MedGen C1866994, MONDO:0008411, OMIM 181450.

Allele frequency attached by ClinVar (database versions not stated): gnomAD 0.00001; gnomAD exomes 0.00002 and 0.00004; ExAC 0.00003; TOPMed 0.00003; ESP Exome Variant Server 0.00008.

Submissions (3):

Labcorp Genetics (formerly Invitae), Labcorp
Classification: Likely benign for Ulnar-mammary syndrome. Last evaluated: 2025-08-08. Review status: criteria provided, single submitter. Criteria: Invitae Variant Classification Sherloc (09022015). Collection method: clinical testing. Allele origin: germline.

Illumina Laboratory Services, Illumina
Classification: Likely benign for Ulnar-mammary syndrome. Last evaluated: 2018-01-13. Review status: criteria provided, single submitter. Criteria: ICSL Variant Classification Criteria 13 December 2019. Collection method: clinical testing. Allele origin: germline.
Comment: This variant was observed in the ICSL laboratory as part of a predisposition screen in an ostensibly healthy population. It had not been previously curated by ICSL or reported in the Human Gene Mutation Database (HGMD: prior to June 1st, 2018), and was therefore a candidate for classification through an automated scoring system. Utilizing variant allele frequency, disease prevalence and penetrance estimates, and inheritance mode, an automated score was calculated to assess if this variant is too frequent to cause the disease. Based on the score and internal cut-off values, a variant classified as likely benign is not then subjected to further curation. The score for this variant resulted in a classification of likely benign for this disease.

PreventionGenetics, part of Exact Sciences
Classification: Likely benign for TBX3-related condition. Last evaluated: 2023-06-22. Review status: no assertion criteria provided. Collection method: clinical testing. Allele origin: germline. Not counted in ClinVar's aggregate classification.
Comment: This variant is classified as likely benign based on ACMG/AMP sequence variant interpretation guidelines (Richards et al. 2015 PMID: 25741868, with internal and published modifications).